The following is an entry in ClinVar:

ClinVar aggregate classification (germline): Uncertain significance. Review status: criteria provided, multiple submitters, no conflicts (2 of 4 stars). 2 submissions from 2 submitters: Uncertain significance (2). Last evaluated 2025-09-17.

Conditions:
Hereditary cancer-predisposing syndrome. Also called: Neoplastic Syndromes, Hereditary; Hereditary Cancer Syndrome; Hereditary neoplastic syndrome; Tumor predisposition. Identifiers: Orphanet 140162, MedGen C0027672, MeSH D009386, MONDO:0015356.
Birt-Hogg-Dube syndrome. Also called: Birt Hogg Dubé syndrome. Identifiers: Orphanet 122, MedGen C0346010, MONDO:0800444.

Allele frequency attached by ClinVar (database versions not stated): gnomAD exomes below 0.00001.
gnomAD v4.1: 1 of 1,613,834 alleles (0.000062%); highest among the groups gnomAD compares: Non-Finnish European, 0.000085%; no homozygotes.

Submissions (2):

Ambry Genetics
Classification: Uncertain significance for Hereditary cancer-predisposing syndrome. Last evaluated: 2025-09-17. Review status: criteria provided, single submitter. Criteria: Ambry Variant Classification Scheme 2023. Collection method: clinical testing. Allele origin: germline.
Comment: The p.I402T variant (also known as c.1205T>C), located in coding exon 8 of the FLCN gene, results from a T to C substitution at nucleotide position 1205. The isoleucine at codon 402 is replaced by threonine, an amino acid with similar properties. This amino acid position is not well conserved in available vertebrate species. In addition, this alteration is predicted to be tolerated by in silico analysis. Since supporting evidence is limited at this time, the clinical significance of this alteration remains unclear.

Labcorp Genetics (formerly Invitae), Labcorp
Classification: Uncertain significance for Birt-Hogg-Dube syndrome. Last evaluated: 2024-04-15. Review status: criteria provided, single submitter. Criteria: Invitae Variant Classification Sherloc (09022015). Collection method: clinical testing. Allele origin: germline.
Comment: This sequence change replaces isoleucine, which is neutral and non-polar, with threonine, which is neutral and polar, at codon 402 of the FLCN protein (p.Ile402Thr). This variant is not present in population databases (gnomAD no frequency). This variant has not been reported in the literature in individuals affected with FLCN-related conditions. ClinVar contains an entry for this variant (Variation ID: 646199). Advanced modeling of protein sequence and biophysical properties (such as structural, functional, and spatial information, amino acid conservation, physicochemical variation, residue mobility, and thermodynamic stability) performed at Invitae indicates that this missense variant is not expected to disrupt FLCN protein function with a negative predictive value of 80%. In summary, the available evidence is currently insufficient to determine the role of this variant in disease. Therefore, it has been classified as a Variant of Uncertain Significance.

NM_144997.7(FLCN):c.1205T>C (p.Ile402Thr)

Gene: FLCN (folliculin; minus strand). Cytogenetic location: 17p11.2.
Variant type: single nucleotide variant.
Coding change: c.1205T>C on transcript NM_144997.7 (MANE Select); coding-DNA position 1205, T replaced by C.
Protein change: p.Ile402Thr; replaces isoleucine 402 with threonine.
Molecular consequence: missense variant.
Genome position (GRCh38, 1-based): chr17:17,216,475, A>G on the plus strand (T>C on the coding strand, the complement: FLCN is on the minus strand). VCF-style: chr17-17216475-A-G. GRCh37 (hg19) VCF-style: chr17-17119789-A-G.
Other names: c.1205T>C (LRG_325t1); c.1259T>C, p.Ile420Thr (NM_001353229.2); c.1205T>C, p.Ile402Thr (NM_001353230.2, NM_001353231.2); short protein forms I420T, I402T.
Identifiers: ClinVar variation 646199 (VCV000646199.11), dbSNP rs1597584543, ClinGen allele CA398531930.